The following is an entry in ClinVar:

ClinVar aggregate classification (germline): Pathogenic (1 of 4 stars; one submission).

Conditions:
Familial hemophagocytic lymphohistiocytosis 5. Also called: STXBP2-Related Familial Hemophagocytic Lymphohistiocytosis (STXBP2-fHLH). Identifiers: Orphanet 540, MedGen C2751293, MONDO:0013135, OMIM 613101.

Allele frequency attached by ClinVar (database versions not stated): gnomAD exomes below 0.00001.
gnomAD v4.1: 2 of 1,581,122 alleles (0.00013%); highest among the groups gnomAD compares: Non-Finnish European, 0.00017%; no homozygotes.

Submission:

Labcorp Genetics (formerly Invitae), Labcorp
Classification: Pathogenic for Familial hemophagocytic lymphohistiocytosis 5. Last evaluated: 2024-01-09. Review status: criteria provided, single submitter. Criteria: Invitae Variant Classification Sherloc (09022015). Collection method: clinical testing. Allele origin: germline.
Comment: This sequence change creates a premature translational stop signal (p.Gln432*) in the STXBP2 gene. It is expected to result in an absent or disrupted protein product. Loss-of-function variants in STXBP2 are known to be pathogenic (PMID: 19804848, 22451424). This variant is not present in population databases (gnomAD no frequency). This premature translational stop signal has been observed in individual(s) with hemophagocytic lymphohistiocytosis (PMID: 20558610). For these reasons, this variant has been classified as Pathogenic.

Literature cited by the submitters: PubMed 19804848; PubMed 22451424; PubMed 20558610.

NM_006949.4(STXBP2):c.1294C>T (p.Gln432Ter)

Gene: STXBP2 (syntaxin binding protein 2; plus strand). Cytogenetic location: 19p13.2.
Variant type: single nucleotide variant.
Coding change: c.1294C>T on transcript NM_006949.4 (MANE Select); coding-DNA position 1294, C replaced by T.
Protein change: p.Gln432Ter; replaces glutamine 432 with a stop codon.
Molecular consequence: nonsense. On other transcripts: non-coding transcript variant (1).
Genome position (GRCh38, 1-based): chr19:7,645,244, C>T. VCF-style: chr19-7645244-C-T. GRCh37 (hg19) VCF-style: chr19-7710130-C-T.
Other names: c.1285C>T, p.Gln429Ter (NM_001127396.3); c.1327C>T, p.Gln443Ter (NM_001272034.2); c.1198C>T, p.Gln400Ter (NM_001414484.1); short protein forms Q400*, Q432*, Q429*, Q443*.
Identifiers: ClinVar variation 2736770 (VCV002736770.3), dbSNP rs2512708025, ClinGen allele CA403161381.